The following is an entry in ClinVar:

NM_001171.6(ABCC6):c.1943+4C>T

Gene: ABCC6 (ATP binding cassette subfamily C member 6; minus strand). Cytogenetic location: 16p13.11.
Variant type: single nucleotide variant.
Coding change: c.1943+4C>T on transcript NM_001171.6 (MANE Select); 4 bases into the intron after coding-DNA position 1943, C replaced by T.
Molecular consequence: intron variant.
Genome position (GRCh38, 1-based): chr16:16,184,955, G>A on the plus strand (C>T on the coding strand, the complement: ABCC6 is on the minus strand). VCF-style: chr16-16184955-G-A. GRCh37 (hg19) VCF-style: chr16-16278812-G-A.
Other names: c.1601+4C>T (NM_001351800.1).
Identifiers: ClinVar variation 1362903 (VCV001362903.5), dbSNP rs556818235, ClinGen allele CA7926104.

ClinVar aggregate classification (germline): Uncertain significance (1 of 4 stars; one submission).

Allele frequency attached by ClinVar (database versions not stated): gnomAD exomes below 0.00001 and 0.00001; gnomAD 0.00001; TOPMed 0.00001; ExAC 0.00002; 1000 Genomes Project 30x 0.00016; 1000 Genomes Project 0.00020.
gnomAD v4.1: 7 of 1,612,112 alleles (0.00043%); highest among the groups gnomAD compares: African/African-American, 0.004%; no homozygotes.

Submission:

Labcorp Genetics (formerly Invitae), Labcorp
Classification: Uncertain significance. Last evaluated: 2022-07-12. Review status: criteria provided, single submitter. Criteria: Invitae Variant Classification Sherloc (09022015). Collection method: clinical testing. Allele origin: germline.
Comment: Variants that disrupt the consensus splice site are a relatively common cause of aberrant splicing (PMID: 17576681, 9536098). Algorithms developed to predict the effect of sequence changes on RNA splicing suggest that this variant is not likely to affect RNA splicing. In summary, the available evidence is currently insufficient to determine the role of this variant in disease. Therefore, it has been classified as a Variant of Uncertain Significance. ClinVar contains an entry for this variant (Variation ID: 1362903). This sequence change falls in intron 15 of the ABCC6 gene. It does not directly change the encoded amino acid sequence of the ABCC6 protein. It affects a nucleotide within the consensus splice site. This variant is present in population databases (rs556818235, gnomAD 0.01%). This variant has not been reported in the literature in individuals affected with ABCC6-related conditions.

Literature cited by the submitters: PubMed 17576681; PubMed 9536098.